The following is an entry in ClinVar:

ClinVar aggregate classification (germline): Uncertain significance (1 of 4 stars; one submission).

Allele frequency attached by ClinVar (database versions not stated): gnomAD 0.00001; gnomAD exomes 0.00001.
gnomAD v4.1: 4 of 1,610,810 alleles (0.00025%); highest among the groups gnomAD compares: African/African-American, 0.0013%; no homozygotes.

Submission:

CeGaT Center for Human Genetics Tuebingen
Classification: Uncertain significance. Last evaluated: 2022-08-01. Review status: criteria provided, single submitter. Criteria: CeGaT Center For Human Genetics Tuebingen Variant Classification Criteria Version 2. Collection method: clinical testing. Allele origin: germline. Affected: yes. Observed: 1 variant allele.
Comment: STAG1: PM2, PP2

NM_005862.3(STAG1):c.3367C>T (p.Arg1123Trp)

Gene: STAG1 (STAG1 cohesin complex component; minus strand). Cytogenetic location: 3q22.3.
Variant type: single nucleotide variant.
Coding change: c.3367C>T on transcript NM_005862.3 (MANE Select); coding-DNA position 3367, C replaced by T.
Protein change: p.Arg1123Trp; replaces arginine 1123 with tryptophan.
Molecular consequence: missense variant.
Genome position (GRCh38, 1-based): chr3:136,343,911, G>A on the plus strand (C>T on the coding strand, the complement: STAG1 is on the minus strand). VCF-style: chr3-136343911-G-A. GRCh37 (hg19) VCF-style: chr3-136062753-G-A.
Other names: short protein forms R1123W.
Identifiers: ClinVar variation 2654171 (VCV002654171.24), dbSNP rs1032980741, ClinGen allele CA83828596.